The following is an entry in ClinVar:

NM_000219.6(KCNE1):c.163G>T (p.Gly55Cys)

Gene: KCNE1 (potassium voltage-gated channel subfamily E regulatory subunit 1; minus strand). Cytogenetic location: 21q22.12.
Variant type: single nucleotide variant.
Coding change: c.163G>T on transcript NM_000219.6 (MANE Select); coding-DNA position 163, G replaced by T.
Protein change: p.Gly55Cys; replaces glycine 55 with cysteine.
Molecular consequence: missense variant.
Genome position (GRCh38, 1-based): chr21:34,449,472, C>A on the plus strand (G>T on the coding strand, the complement: KCNE1 is on the minus strand). VCF-style: chr21-34449472-C-A. GRCh37 (hg19) VCF-style: chr21-35821770-C-A.
Other names: c.163G>T, p.Gly55Cys (NM_001127668.4, NM_001127669.4, NM_001127670.4 and 4 more transcripts); short protein forms G55C.
Identifiers: ClinVar variation 3374212 (VCV003374212.2).
Genomic context (GRCh38, chr21:34,449,472, plus strand): 5'-TCGAGTGCTCCAGCTTCTTGGAGCGGATGTAGCTCAGCATGATGCCCAGGGTGAAGAAGC[C>A]GAAGAATCCCAGTACCATGAGGACGTAGAGGGCCTCCAGCTTGCCGTCACTGCTGCGGGG-3'
Protein context (NP_000210.2, residues 45-65): LYVLMVLGFF[Gly55Cys]FFTLGIMLSY

Conditions:
Long QT syndrome 5 (LQT5). Identifiers: Orphanet 101016, Orphanet 768, MedGen C1867904, MONDO:0013372, OMIM 613695.

Submission:

Roden Lab, Vanderbilt University Medical Center
No classification provided (evidence only). Condition: Long QT syndrome 5. Review status: no classification provided. Collection method: in vitro. Allele origin: not applicable. Functional consequence: Effect on ion channel function.
ClinVar note: "not provided" was previously submitted as the classification for the variant. However, the classification appeared to be based only on an observation of functional data so it was converted to no classification on 2025-07-30.